The following is an entry in ClinVar:

NM_001365276.2(TNXB):c.8505C>T (p.Pro2835=)

Gene: TNXB (tenascin XB; minus strand). Cytogenetic location: 6p21.33.
Variant type: single nucleotide variant.
Coding change: c.8505C>T on transcript NM_001365276.2 (MANE Select); coding-DNA position 8505, C replaced by T.
Protein change: p.Pro2835=; no amino-acid change (proline 2835 retained).
Molecular consequence: synonymous variant.
Genome position (GRCh38, 1-based): chr6:32,053,674, G>A on the plus strand (C>T on the coding strand, the complement: TNXB is on the minus strand). VCF-style: chr6-32053674-G-A. GRCh37 (hg19) VCF-style: chr6-32021451-G-A.
Other names: c.8499C>T, p.Pro2833= (NM_019105.8); c.8499C>T (NM_019105.6).
Identifiers: ClinVar variation 2673052 (VCV002673052.24), dbSNP rs756122104, ClinGen allele CA3733814.

ClinVar aggregate classification (germline): Likely benign. Review status: criteria provided, multiple submitters, no conflicts (2 of 4 stars). 3 submissions from 3 submitters: Likely benign (3). Last evaluated 2025-11-07.

Conditions:
Cardiovascular phenotype. Identifiers: MedGen CN230736.

Allele frequency attached by ClinVar (database versions not stated): gnomAD exomes 0.00001; ExAC 0.00002; gnomAD 0.00002.
gnomAD v4.1: 16 of 1,613,034 alleles (0.00099%); highest among the groups gnomAD compares: African/African-American, 0.0053%; no homozygotes.

Submissions (3):

Women's Health and Genetics/Laboratory Corporation of America, LabCorp
Classification: Likely benign. Last evaluated: 2025-11-07. Review status: criteria provided, single submitter. Criteria: LabCorp Variant Classification Summary - May 2015. Collection method: clinical testing. Allele origin: germline.

Ambry Genetics
Classification: Likely benign for Cardiovascular phenotype. Last evaluated: 2023-11-01. Review status: criteria provided, single submitter. Criteria: Ambry Variant Classification Scheme 2023. Collection method: clinical testing. Allele origin: germline.

CeGaT Center for Human Genetics Tuebingen
Classification: Likely benign. Last evaluated: 2023-11-01. Review status: criteria provided, single submitter. Criteria: CeGaT Center For Human Genetics Tuebingen Variant Classification Criteria Version 2. Collection method: clinical testing. Allele origin: germline. Affected: yes. Observed: 1 variant allele.
Comment: TNXB: BP4, BP7